The following is an entry in ClinVar:

ClinVar aggregate classification (germline): Benign/Likely benign. Review status: criteria provided, multiple submitters, no conflicts (2 of 4 stars). 2 submissions from 2 submitters: Benign (1); Likely benign (1). Last evaluated 2026-03-01.

Allele frequency attached by ClinVar (database versions not stated): 1000 Genomes Project 0.00060; 1000 Genomes Project 30x 0.00062; gnomAD 0.00075 and 0.00076; TOPMed 0.00083; gnomAD exomes 0.00086; ESP Exome Variant Server 0.00092; ExAC 0.00116.
gnomAD v4.1: 1,772 of 1,613,080 alleles (0.11%); highest among the groups gnomAD compares: Non-Finnish European, 0.14%; 1 homozygote.

Submissions (2):

CeGaT Center for Human Genetics Tuebingen
Classification: Likely benign. Last evaluated: 2026-03-01. Review status: criteria provided, single submitter. Criteria: CeGaT Center For Human Genetics Tuebingen Variant Classification Criteria Version 2. Collection method: clinical testing. Allele origin: germline. Affected: yes. Observed: 4 variant alleles.
Comment: PIK3R5: BP4, BP7

Labcorp Genetics (formerly Invitae), Labcorp
Classification: Benign. Last evaluated: 2018-07-12. Review status: criteria provided, single submitter. Criteria: Invitae Variant Classification Sherloc (09022015). Collection method: clinical testing. Allele origin: germline.

NM_001142633.3(PIK3R5):c.597C>T (p.His199=)

Gene: PIK3R5 (phosphoinositide-3-kinase regulatory subunit 5; minus strand). Cytogenetic location: 17p13.1.
Variant type: single nucleotide variant.
Coding change: c.597C>T on transcript NM_001142633.3 (MANE Select); coding-DNA position 597, C replaced by T.
Protein change: p.His199=; no amino-acid change (histidine 199 retained).
Molecular consequence: synonymous variant. On other transcripts: 5 prime UTR variant (7), intron variant (1).
Genome position (GRCh38, 1-based): chr17:8,890,798, G>A on the plus strand (C>T on the coding strand, the complement: PIK3R5 is on the minus strand). VCF-style: chr17-8890798-G-A. GRCh37 (hg19) VCF-style: chr17-8794115-G-A.
Other names: c.-624C>T (NM_001251851.2); c.-562C>T (NM_001251852.2, NM_001388397.1, NM_001388398.1 and 1 more transcripts); c.-408C>T (NM_001251853.2, NM_001388400.1); c.597C>T, p.His199= (NM_001388396.1, NM_014308.4); c.-501-672C>T (NM_001251855.2).
Identifiers: ClinVar variation 717559 (VCV000717559.27), dbSNP rs150735911, ClinGen allele CA8380751.
Genomic context (GRCh38, chr17:8,890,798, plus strand): 5'-CTGTAGCCTGCAGTGCAGGCCCGGGACGTCACAGTGGGCCCCAAAGGTGGCCTGGAAGGC[G>A]TGCAGGAGCAGGGTGGTGTAGGCACTGTGAGGCGAGTGTCCGGGCGTACTCAGCTTATTG-3'
Protein context (NP_001136105.1, residues 189-209): PHSAYTTLLL[His199=]AFQATFGAHC